The following is an entry in ClinVar:

NM_002474.3(MYH11):c.2213A>G (p.Lys738Arg)

Gene: MYH11 (myosin heavy chain 11; minus strand). Cytogenetic location: 16p13.11.
Variant type: single nucleotide variant.
Coding change: c.2213A>G on transcript NM_002474.3 (MANE Select); coding-DNA position 2213, A replaced by G.
Protein change: p.Lys738Arg; replaces lysine 738 with arginine.
Molecular consequence: missense variant.
Genome position (GRCh38, 1-based): chr16:15,747,911, T>C on the plus strand (A>G on the coding strand, the complement: MYH11 is on the minus strand). VCF-style: chr16-15747911-T-C. GRCh37 (hg19) VCF-style: chr16-15841768-T-C.
Other names: c.2213A>G (NM_002474.2); c.2234A>G, p.Lys745Arg (NM_001040113.2, NM_001040114.2); c.2213A>G, p.Lys738Arg (NM_022844.3); short protein forms K745R, K738R.
Identifiers: ClinVar variation 465714 (VCV000465714.9), dbSNP rs1555560379, ClinGen allele CA394867767.

ClinVar aggregate classification (germline): Uncertain significance. Review status: criteria provided, multiple submitters, no conflicts (2 of 4 stars). 2 submissions from 2 submitters: Uncertain significance (2). Last evaluated 2025-12-24.

Conditions:
Familial thoracic aortic aneurysm and aortic dissection (TAAD). Also called: Thoracic aortic aneurysms and dissections. Identifiers: Orphanet 91387, MedGen C4707243, MONDO:0019625.
Aortic aneurysm, familial thoracic 4 (AAT4). Also called: AORTIC ANEURYSM/AORTIC DISSECTION AND PATENT DUCTUS ARTERIOSUS. Identifiers: MedGen C1851504, MONDO:0007568, OMIM 132900.

Allele frequency attached by ClinVar (database versions not stated): gnomAD exomes below 0.00001.
gnomAD v4.1: 2 of 1,613,644 alleles (0.00012%); highest among the groups gnomAD compares: Non-Finnish European, 0.000085%; no homozygotes.

Submissions (2):

Labcorp Genetics (formerly Invitae), Labcorp
Classification: Uncertain significance for Aortic aneurysm, familial thoracic 4. Last evaluated: 2025-12-24. Review status: criteria provided, single submitter. Criteria: Invitae Variant Classification Sherloc (09022015). Collection method: clinical testing. Allele origin: germline.
Comment: This sequence change replaces lysine, which is basic and polar, with arginine, which is basic and polar, at codon 745 of the MYH11 protein (p.Lys745Arg). This variant is not present in population databases (gnomAD no frequency). This variant has not been reported in the literature in individuals affected with MYH11-related conditions. ClinVar contains an entry for this variant (Variation ID: 465714). Invitae Evidence Modeling of protein sequence and biophysical properties (such as structural, functional, and spatial information, amino acid conservation, physicochemical variation, residue mobility, and thermodynamic stability) indicates that this missense variant is not expected to disrupt MYH11 protein function with a negative predictive value of 95%. In summary, the available evidence is currently insufficient to determine the role of this variant in disease. Therefore, it has been classified as a Variant of Uncertain Significance.

Ambry Genetics
Classification: Uncertain significance for Familial thoracic aortic aneurysm and aortic dissection. Last evaluated: 2023-10-05. Review status: criteria provided, single submitter. Criteria: Ambry Variant Classification Scheme 2023. Collection method: clinical testing. Allele origin: germline.
Comment: The p.K738R variant (also known as c.2213A>G), located in coding exon 17 of the MYH11 gene, results from an A to G substitution at nucleotide position 2213. The lysine at codon 738 is replaced by arginine, an amino acid with highly similar properties. This amino acid position is conserved. In addition, the in silico prediction for this alteration is inconclusive. Since supporting evidence is limited at this time, the clinical significance of this alteration remains unclear.